The following is an entry in ClinVar:

ClinVar aggregate classification (germline): Uncertain significance (1 of 4 stars; one submission).

Submission:

GeneDx
Classification: Uncertain significance. Last evaluated: 2019-08-19. Review status: criteria provided, single submitter. Criteria: GeneDx Variant Classification Process June 2021. Collection method: clinical testing. Allele origin: germline. Affected: yes.
Comment: Not observed in large population cohorts (Lek et al., 2016); In silico analysis, which includes protein predictors and evolutionary conservation, supports a deleterious effect; Has not been previously published as pathogenic or benign to our knowledge

NM_017780.4(CHD7):c.7274C>G (p.Ala2425Gly)

Gene: CHD7 (chromodomain helicase DNA binding protein 7; plus strand). Cytogenetic location: 8q12.2.
Variant type: single nucleotide variant.
Coding change: c.7274C>G on transcript NM_017780.4 (MANE Select); coding-DNA position 7274, C replaced by G.
Protein change: p.Ala2425Gly; replaces alanine 2425 with glycine.
Molecular consequence: missense variant. On other transcripts: intron variant (1).
Genome position (GRCh38, 1-based): chr8:60,856,554, C>G. VCF-style: chr8-60856554-C-G. GRCh37 (hg19) VCF-style: chr8-61769113-C-G.
Other names: c.1717-5675C>G (NM_001316690.1); short protein forms A2425G.
Identifiers: ClinVar variation 1304218 (VCV001304218.2), dbSNP rs2129648417, ClinGen allele CA371300489.